The following is an entry in ClinVar:

ClinVar aggregate classification (germline): Uncertain significance (1 of 4 stars; one submission).

Allele frequency attached by ClinVar (database versions not stated): TOPMed 0.00001; ExAC 0.00002; gnomAD 0.00003; 1000 Genomes Project 30x 0.00016; 1000 Genomes Project 0.00020.
gnomAD v4.1: 20 of 1,611,468 alleles (0.0012%); highest among the groups gnomAD compares: African/African-American, 0.0027%; no homozygotes.

Submission:

Labcorp Genetics (formerly Invitae), Labcorp
Classification: Uncertain significance. Last evaluated: 2024-07-31. Review status: criteria provided, single submitter. Criteria: Invitae Variant Classification Sherloc (09022015). Collection method: clinical testing. Allele origin: germline.
Comment: This sequence change replaces threonine, which is neutral and polar, with methionine, which is neutral and non-polar, at codon 137 of the HPS4 protein (p.Thr137Met). This variant is present in population databases (rs150403254, gnomAD 0.003%). This variant has not been reported in the literature in individuals affected with HPS4-related conditions. ClinVar contains an entry for this variant (Variation ID: 2143168). An algorithm developed to predict the effect of missense changes on protein structure and function outputs the following: PolyPhen-2: "Benign". The methionine amino acid residue is found in multiple mammalian species, which suggests that this missense change does not adversely affect protein function. In summary, the available evidence is currently insufficient to determine the role of this variant in disease. Therefore, it has been classified as a Variant of Uncertain Significance.

NM_022081.6(HPS4):c.410C>T (p.Thr137Met)

Gene: HPS4 (HPS4 biogenesis of lysosomal organelles complex 3 subunit 2; minus strand). Cytogenetic location: 22q12.1.
Variant type: single nucleotide variant.
Coding change: c.410C>T on transcript NM_022081.6 (MANE Select); coding-DNA position 410, C replaced by T.
Protein change: p.Thr137Met; replaces threonine 137 with methionine.
Molecular consequence: missense variant. On other transcripts: non-coding transcript variant (8).
Genome position (GRCh38, 1-based): chr22:26,472,393, G>A on the plus strand (C>T on the coding strand, the complement: HPS4 is on the minus strand). VCF-style: chr22-26472393-G-A. GRCh37 (hg19) VCF-style: chr22-26868359-G-A.
Other names: c.410C>T, p.Thr137Met (NM_001349896.1, NM_001349898.2, NM_001349899.2 and 7 more transcripts); c.395C>T, p.Thr132Met (NM_152841.2); short protein forms T132M, T137M.
Identifiers: ClinVar variation 2143168 (VCV002143168.3), dbSNP rs150403254, ClinGen allele CA10163712.
Genomic context (GRCh38, chr22:26,472,393, plus strand): 5'-AAAATCTTATGCAGATCACTGGTGTTTTTCAGAATTTGCTCGATGAAGGTGTCCCACTCC[G>A]TGCTCAGTTCTTCCTGAGAACAGTTCTAAAACAGAAAGAGCCTCAGGTCAATATCTGAGA-3'
Protein context (NP_071364.4, residues 127-147): YENCSQEELS[Thr137Met]EWDTFIEQIL